The following is an entry in ClinVar:

ClinVar aggregate classification (germline): Pathogenic (1 of 4 stars; one submission).

Conditions:
PGM1-congenital disorder of glycosylation. Also called: CDG It; Congenital disorder of glycosylation type 1t; PHOSPHOGLUCOMUTASE 1 DEFICIENCY; PGM1 DEFICIENCY; GLYCOGEN STORAGE DISEASE XIV; GSD XIV. Identifiers: Orphanet 319646, MedGen C2752015, MONDO:0013968, OMIM 614921.

Submission:

Labcorp Genetics (formerly Invitae), Labcorp
Classification: Pathogenic for PGM1-congenital disorder of glycosylation. Last evaluated: 2023-12-11. Review status: criteria provided, single submitter. Criteria: Invitae Variant Classification Sherloc (09022015). Collection method: clinical testing. Allele origin: germline.
Comment: This sequence change creates a premature translational stop signal (p.Val310Glyfs*36) in the PGM1 gene. It is expected to result in an absent or disrupted protein product. Loss-of-function variants in PGM1 are known to be pathogenic (PMID: 22492991). This variant is not present in population databases (gnomAD no frequency). This variant has not been reported in the literature in individuals affected with PGM1-related conditions. For these reasons, this variant has been classified as Pathogenic.

Literature cited by the submitters: PubMed 22492991.

NM_002633.3(PGM1):c.929_930del (p.Val310fs)

Gene: PGM1 (phosphoglucomutase 1; plus strand). Cytogenetic location: 1p31.3.
Variant type: Microsatellite.
Coding change: c.929_930del on transcript NM_002633.3 (MANE Select); coding-DNA positions 929 to 930, 2 bases deleted (TG; older notation c.929_930delTG).
Protein change: p.Val310fs; shifts the reading frame from valine 310.
Molecular consequence: frameshift variant.
Genome position (GRCh38, 1-based): chr1:63,636,289-63,636,290, TG deleted; deleting any 2 consecutive bases within chr1:63,636,287-63,636,290 gives the same sequence; the c. name uses the placement nearest the transcript's 3' end. VCF-style (leftmost placement, unchanged base first): chr1-63636286-CTG-C. GRCh37 (hg19) VCF-style: chr1-64101957-CTG-C.
Other names: c.983_984del, p.Val328fs (NM_001172818.1); c.338_339del, p.Val113fs (NM_001172819.2); short protein forms V310fs, V328fs, V113fs.
Identifiers: ClinVar variation 1383900 (VCV001383900.6), dbSNP rs2100988650, ClinGen allele CA2580611165.